The following is an entry in ClinVar:

ClinVar aggregate classification (germline): Uncertain significance (1 of 4 stars; one submission).

Submission:

GeneDx
Classification: Uncertain significance. Last evaluated: 2016-11-17. Review status: criteria provided, single submitter. Criteria: GeneDx Variant Classification (06012015). Collection method: clinical testing. Allele origin: germline. Affected: yes.
Comment: The E2032Q variant in the CHD3 gene has not been reported previously as a pathogenic variant, nor as a benign variant, to our knowledge. The E2032Q variant was not observed in approximately 6500 individuals of European and African American ancestry in the NHLBI Exome Sequencing Project, indicating it is not a common benign variant in these populations. The E2032Q variant is a semi-conservative amino acid substitution, which may impact secondary protein structure as these residues differ in some properties. This substitution occurs at a position that is conserved across species, however, in silico analysis is inconsistent in its predictions as to whether or not the variant is damaging to the protein structure/function. We interpret E2032Q as a variant of uncertain significance.

NM_001005273.3(CHD3):c.5917G>C (p.Glu1973Gln)

Gene: CHD3 (chromodomain helicase DNA binding protein 3; plus strand). Cytogenetic location: 17p13.1.
Variant type: single nucleotide variant.
Coding change: c.5917G>C on transcript NM_001005273.3 (MANE Select); coding-DNA position 5917, G replaced by C.
Protein change: p.Glu1973Gln; replaces glutamic acid 1973 with glutamine.
Molecular consequence: missense variant.
Genome position (GRCh38, 1-based): chr17:7,911,499, G>C. VCF-style: chr17-7911499-G-C. GRCh37 (hg19) VCF-style: chr17-7814817-G-C.
Other names: c.6094G>C, p.Glu2032Gln (NM_001005271.3); c.5815G>C, p.Glu1939Gln (NM_005852.4); short protein forms E2032Q, E1939Q, E1973Q.
Identifiers: ClinVar variation 422668 (VCV000422668.2), dbSNP rs1064795926, ClinGen allele CA16620644.
Genomic context (GRCh38, chr17:7,911,499, plus strand): 5'-CTTTCCTTACCCCTTTCCCAAACAGCCGCCACCAACGGCCCTCCAGTGCTTGTGAAGAAG[G>C]AGAAGGAAATGGTGGGGGCATTGGTGTCAGACGGGCTGGATCGGAAGGAGCCCCGAGCCG-3'
Protein context (NP_001005273.1, residues 1963-1983): TNGPPVLVKK[Glu1973Gln]KEMVGALVSD